The following is an entry in ClinVar:

NM_025137.4(SPG11):c.545A>C (p.Asp182Ala)

Gene: SPG11 (SPG11 vesicle trafficking associated, spatacsin; minus strand). Cytogenetic location: 15q21.1.
Variant type: single nucleotide variant.
Coding change: c.545A>C on transcript NM_025137.4 (MANE Select); coding-DNA position 545, A replaced by C.
Protein change: p.Asp182Ala; replaces aspartic acid 182 with alanine.
Molecular consequence: missense variant.
Genome position (GRCh38, 1-based): chr15:44,659,201, T>G on the plus strand (A>C on the coding strand, the complement: SPG11 is on the minus strand). VCF-style: chr15-44659201-T-G. GRCh37 (hg19) VCF-style: chr15-44951399-T-G.
Other names: c.545A>C, p.Asp182Ala (NM_001160227.2); short protein forms D182A.
Identifiers: ClinVar variation 1438352 (VCV001438352.3), dbSNP rs143636318, ClinGen allele CA7535799.

ClinVar aggregate classification (germline): Uncertain significance (1 of 4 stars; one submission).

Conditions:
Hereditary spastic paraplegia 11. Also called: Spastic Paraplegia 11; Spastic paraplegia, mental retardation and thin corpus callosum; SPASTIC PARAPLEGIA, AUTOSOMAL RECESSIVE, COMPLICATED, WITH THIN CORPUS CALLOSUM; SPASTIC PARAPLEGIA, AUTOSOMAL RECESSIVE, WITH MENTAL IMPAIRMENT AND THIN CORPUS CALLOSUM; Nakamura Osame syndrome; Autosomal recessive hereditary spastic paraplegia, mental impairment, and thin corpus callosum. Identifiers: Orphanet 2822, MedGen C1858479, MONDO:0011445, OMIM 604360.

gnomAD v4.1: 4 of 1,614,082 alleles (0.00025%); highest among the groups gnomAD compares: African/African-American, 0.0053%; no homozygotes.

Submission:

Labcorp Genetics (formerly Invitae), Labcorp
Classification: Uncertain significance for Hereditary spastic paraplegia 11. Last evaluated: 2021-08-23. Review status: criteria provided, single submitter. Criteria: Invitae Variant Classification Sherloc (09022015). Collection method: clinical testing. Allele origin: germline.
Comment: This sequence change replaces aspartic acid with alanine at codon 182 of the SPG11 protein (p.Asp182Ala). The aspartic acid residue is moderately conserved and there is a moderate physicochemical difference between aspartic acid and alanine. This variant is present in population databases (rs143636318, ExAC 0.01%). This variant has not been reported in the literature in individuals affected with SPG11-related conditions. Algorithms developed to predict the effect of missense changes on protein structure and function (SIFT, PolyPhen-2, Align-GVGD) all suggest that this variant is likely to be tolerated. In summary, the available evidence is currently insufficient to determine the role of this variant in disease. Therefore, it has been classified as a Variant of Uncertain Significance.